The following is an entry in ClinVar:

NM_000049.4(ASPA):c.70G>T (p.Glu24Ter)

Genes: ASPA (aspartoacylase; plus strand), SPATA22 (spermatogenesis associated 22; minus strand). Cytogenetic location: 17p13.2.
Variant type: single nucleotide variant.
Coding change: c.70G>T on transcript NM_000049.4 (MANE Select); coding-DNA position 70, G replaced by T.
Protein change: p.Glu24Ter; replaces glutamic acid 24 with a stop codon.
Molecular consequence: nonsense. On other transcripts: intron variant (2).
Genome position (GRCh38, 1-based): chr17:3,476,229, G>T. VCF-style: chr17-3476229-G-T. GRCh37 (hg19) VCF-style: chr17-3379523-G-T.
Other names: c.70G>T, p.Glu24Ter (NM_001128085.1); c.-73-6831C>A (NM_001321336.2, NM_001321337.2); short protein forms E24*.
Identifiers: ClinVar variation 4818491 (VCV004818491.1).

ClinVar aggregate classification (germline): Likely pathogenic (1 of 4 stars; one submission).

Conditions:
Spongy degeneration of central nervous system. Also called: ACY2 DEFICIENCY; AMINOACYLASE 2 DEFICIENCY; ASP DEFICIENCY; ASPA DEFICIENCY; ASPARTOACYLASE DEFICIENCY; CANAVAN-VAN BOGAERT-BERTRAND DISEASE. Identifiers: Orphanet 141, MedGen C0206307, MONDO:0010079, OMIM 271900.

Submission:

Natera, Inc.
Classification: Likely pathogenic for Canavan Disease. Last evaluated: 2025-11-04. Review status: criteria provided, single submitter. Criteria: Natera Variant Classification Schema (03/2026). Collection method: clinical testing. Allele origin: germline.
Comment: The c.70G>T variant in ASPA is a nonsense variant predicted to introduce a stop codon at amino acid 24. This variant is expected to result in nonsense mediated decay, truncation, or a dysfunctional protein product. This variant is rare in the general population with a frequency below the threshold expected for the associated phenotype(s). Given the available evidence, this variant is classified as Likely Pathogenic.